The following is an entry in ClinVar:

NM_001166108.2(PALLD):c.2500A>C (p.Ile834Leu)

Genes: CBR4 (carbonyl reductase 4; minus strand), PALLD (palladin, cytoskeletal associated protein; plus strand). Cytogenetic location: 4q32.3.
Variant type: single nucleotide variant.
Coding change: c.2500A>C on transcript NM_001166108.2 (MANE Select); coding-DNA position 2500, A replaced by C.
Protein change: p.Ile834Leu; replaces isoleucine 834 with leucine.
Molecular consequence: missense variant.
Genome position (GRCh38, 1-based): chr4:168,903,784, A>C. VCF-style: chr4-168903784-A-C. GRCh37 (hg19) VCF-style: chr4-169824935-A-C.
Other names: c.1303A>C, p.Ile435Leu (NM_001166109.2); c.988A>C, p.Ile330Leu (NM_001166110.2); c.328A>C, p.Ile110Leu (NM_001367567.1, NM_001367569.1); c.379A>C, p.Ile127Leu (NM_001367568.1, NM_001367570.1); c.2449A>C, p.Ile817Leu (NM_016081.4); c.988A>C (NM_001166110.1); short protein forms I110L, I127L, I330L, I435L, I834L, I817L.
Identifiers: ClinVar variation 1791433 (VCV001791433.3), dbSNP rs1233750183, ClinGen allele CA358799293.

ClinVar aggregate classification (germline): Uncertain significance. Review status: criteria provided, single submitter (1 of 4 stars). 2 submissions from 1 submitter: Uncertain significance (2). Last evaluated 2022-10-04.

Conditions:
Inborn genetic diseases. Identifiers: MedGen C0950123, MeSH D030342.
Hereditary cancer-predisposing syndrome. Also called: Hereditary Cancer Syndrome; Hereditary neoplastic syndrome; Tumor predisposition; Neoplastic Syndromes, Hereditary. Identifiers: Orphanet 140162, MedGen C0027672, MeSH D009386, MONDO:0015356.

Allele frequency attached by ClinVar (database versions not stated): gnomAD exomes below 0.00001; TOPMed below 0.00001.
gnomAD v4.1: 1 of 1,613,028 alleles (0.000062%); highest among the groups gnomAD compares: Non-Finnish European, 0.000085%; no homozygotes.

Submissions (2):

Ambry Genetics
Classification: Uncertain significance for Inborn genetic diseases. Last evaluated: 2022-10-04. Review status: criteria provided, single submitter. Criteria: Ambry General Variant Classification Scheme_2022. Collection method: clinical testing. Allele origin: germline. Observed: 1 variant allele.

Ambry Genetics
Classification: Uncertain significance for Hereditary cancer-predisposing syndrome. Last evaluated: 2021-09-04. Review status: criteria provided, single submitter. Criteria: Ambry General Variant Classification Scheme_2022. Collection method: clinical testing. Allele origin: germline. Observed: 1 variant allele.
Comment: The p.I817L variant (also known as c.2449A>C), located in coding exon 13 of the PALLD gene, results from an A to C substitution at nucleotide position 2449. The isoleucine at codon 817 is replaced by leucine, an amino acid with highly similar properties. This amino acid position is conserved. In addition, this alteration is predicted to be tolerated by in silico analysis. Since supporting evidence is limited at this time, the clinical significance of this alteration remains unclear.